The following is an entry in ClinVar:

NM_005076.5(CNTN2):c.1888C>T (p.Arg630Cys)

Gene: CNTN2 (contactin 2; plus strand). Cytogenetic location: 1q32.1.
Variant type: single nucleotide variant.
Coding change: c.1888C>T on transcript NM_005076.5 (MANE Select); coding-DNA position 1888, C replaced by T.
Protein change: p.Arg630Cys; replaces arginine 630 with cysteine.
Molecular consequence: missense variant. On other transcripts: non-coding transcript variant (1).
Genome position (GRCh38, 1-based): chr1:205,066,512, C>T. VCF-style: chr1-205066512-C-T. GRCh37 (hg19) VCF-style: chr1-205035640-C-T.
Other names: c.1888C>T, p.Arg630Cys (NM_001346083.2); short protein forms R630C.
Identifiers: ClinVar variation 847875 (VCV000847875.5), dbSNP rs574231253, ClinGen allele CA1351522.

ClinVar aggregate classification (germline): Uncertain significance (1 of 4 stars; one submission).

Conditions:
Epilepsy, familial adult myoclonic, 5 (EPEO5). Also called: CORTICAL MYOCLONIC TREMOR WITH EPILEPSY, FAMILIAL, 5. Identifiers: Orphanet 86814, MedGen C3809374, MONDO:0014167, OMIM 615400.

Allele frequency attached by ClinVar (database versions not stated): 1000 Genomes Project 30x 0.00016; 1000 Genomes Project 0.00020.
gnomAD v4.1: 27 of 1,614,064 alleles (0.0017%); highest among the groups gnomAD compares: Non-Finnish European, 0.0019%; no homozygotes.

Submission:

Labcorp Genetics (formerly Invitae), Labcorp
Classification: Uncertain significance for Epilepsy, familial adult myoclonic, 5. Last evaluated: 2022-08-15. Review status: criteria provided, single submitter. Criteria: Invitae Variant Classification Sherloc (09022015). Collection method: clinical testing. Allele origin: germline.
Comment: This sequence change replaces arginine, which is basic and polar, with cysteine, which is neutral and slightly polar, at codon 630 of the CNTN2 protein (p.Arg630Cys). This variant is present in population databases (rs574231253, gnomAD 0.004%). This variant has not been reported in the literature in individuals affected with CNTN2-related conditions. ClinVar contains an entry for this variant (Variation ID: 847875). Advanced modeling of protein sequence and biophysical properties (such as structural, functional, and spatial information, amino acid conservation, physicochemical variation, residue mobility, and thermodynamic stability) performed at Invitae indicates that this missense variant is not expected to disrupt CNTN2 protein function. In summary, the available evidence is currently insufficient to determine the role of this variant in disease. Therefore, it has been classified as a Variant of Uncertain Significance.